The following is an entry in ClinVar:

NM_004972.4(JAK2):c.1177C>G (p.Leu393Val)

Genes: INSL6 (insulin like 6; minus strand), JAK2 (Janus kinase 2; plus strand). Cytogenetic location: 9p24.1.
Variant type: single nucleotide variant.
Coding change: c.1177C>G on transcript NM_004972.4 (MANE Select); coding-DNA position 1177, C replaced by G.
Protein change: p.Leu393Val; replaces leucine 393 with valine.
Molecular consequence: missense variant. On other transcripts: 5 prime UTR variant (2), non-coding transcript variant (2).
Genome position (GRCh38, 1-based): chr9:5,065,003, C>G. VCF-style: chr9-5065003-C-G. GRCh37 (hg19) VCF-style: chr9-5065003-C-G.
Other names: c.-39C>G (NM_001322198.2, NM_001322199.2); c.730C>G, p.Leu244Val (NM_001322204.2); c.1177C>G, p.Leu393Val (NM_001322194.2, NM_001322195.2, NM_001322196.2); short protein forms L393V, L244V.
Identifiers: ClinVar variation 134563 (VCV000134563.42), dbSNP rs2230723, ClinGen allele CA160195.

ClinVar aggregate classification (germline): Conflicting classifications of pathogenicity. Review status: criteria provided, conflicting classifications (1 of 4 stars). 6 submissions from 6 submitters: Uncertain significance (2); Benign (2); Likely benign (1). 1 of the submissions does not count toward it. Last evaluated 2026-09-01.

Allele frequency attached by ClinVar (database versions not stated): gnomAD exomes 0.00554 and 0.00766; ExAC 0.00735; 1000 Genomes Project 0.01198; gnomAD 0.01296 and 0.01376; 1000 Genomes Project 30x 0.01312; TOPMed 0.01323; ESP Exome Variant Server 0.01415.
gnomAD v4.1: 10,394 of 1,605,824 alleles (0.65%); highest among the groups gnomAD compares: African/African-American, 2.4%; 83 homozygotes.

Submissions (6):

CeGaT Center for Human Genetics Tuebingen
Classification: Benign. Last evaluated: 2026-09-01. Review status: criteria provided, single submitter. Criteria: CeGaT Center For Human Genetics Tuebingen Variant Classification Criteria Version 2. Collection method: clinical testing. Allele origin: germline. Affected: yes. Observed: 22 variant alleles.
Comment: JAK2: BP4, BS1, BS2

Labcorp Genetics (formerly Invitae), Labcorp
Classification: Benign. Last evaluated: 2026-02-02. Review status: criteria provided, single submitter. Criteria: Invitae Variant Classification Sherloc (09022015). Collection method: clinical testing. Allele origin: germline.

Mayo Clinic Laboratories, Mayo Clinic
Classification: Uncertain significance. Last evaluated: 2025-12-10. Review status: criteria provided, single submitter. Criteria: ACMG Guidelines, 2015. Collection method: clinical testing. Allele origin: germline. Observed: 3 variant alleles.
Comment: BS1, BP4

GeneDx
Classification: Uncertain significance. Last evaluated: 2025-06-23. Review status: criteria provided, single submitter. Criteria: GeneDx Variant Classification Process June 2021. Collection method: clinical testing. Allele origin: germline. Affected: yes.
Comment: Identified as a germline alteration in individuals with polycythemia vera or secondary erythrocytosis with or without the acquired V617F variant (PMID: 27647865, 35304527, 38468832); Identified in samples from diffuse large B-cell tumors, BCR-ABL1 negative and JAK2 V617F negative chronic myeloproliferative neoplasms, and head and neck squamous cell carcinomas; however, one study showed no difference in distribution of this variant in patients versus controls, and patient germline samples were not tested (PMID: 22762550, 20417861, 23670291, 33792220); Functional studies indicate that the L393V variant does not seem to synergize in augmenting signaling of the acquired V617F variant (PMID: 27647865); In silico analysis suggests that this missense variant does not alter protein structure/function; This variant is associated with the following publications: (PMID: 23670291, 33792220, 20417861, 31676277, 34426522, 27647865, 22762550, 34958119, 35304527, 37834019, 37762110, 38468832)

ARUP Laboratories, Molecular Genetics and Genomics, ARUP Laboratories
Classification: Likely benign. Last evaluated: 2025-03-14. Review status: criteria provided, single submitter. Criteria: ARUP Molecular Germline Variant Investigation Process 2024. Collection method: clinical testing. Allele origin: germline.

ITMI
No classification provided. Condition: AllHighlyPenetrant. Last evaluated: 2013-09-19. Review status: no classification provided. Collection method: reference population. Allele origin: germline. Not counted in ClinVar's aggregate classification.
Comment: Please see associated publication for description of ethnicities

Literature cited by the submitters: PubMed 27647865 (cited by Mayo Clinic Laboratories, Mayo Clinic); PubMed 34426522 (cited by Mayo Clinic Laboratories, Mayo Clinic); PubMed 37692494 (cited by Mayo Clinic Laboratories, Mayo Clinic); PubMed 38468832 (cited by Mayo Clinic Laboratories, Mayo Clinic); PubMed 24728327 (cited by ITMI).